The following is an entry in ClinVar:

ClinVar aggregate classification (germline): Likely benign (1 of 4 stars; one submission).

Submission:

CeGaT Center for Human Genetics Tuebingen
Classification: Likely benign. Last evaluated: 2026-08-01. Review status: criteria provided, single submitter. Criteria: CeGaT Center For Human Genetics Tuebingen Variant Classification Criteria Version 2. Collection method: clinical testing. Allele origin: germline. Affected: yes. Observed: 2 variant alleles.
Comment: CGB8: BP4, BP7

NM_033183.3(CGB8):c.459A>T (p.Arg153=)

Gene: CGB8 (chorionic gonadotropin subunit beta 8; minus strand). Cytogenetic location: 19q13.33.
Variant type: single nucleotide variant.
Coding change: c.459A>T on transcript NM_033183.3 (MANE Select); coding-DNA position 459, A replaced by T.
Protein change: p.Arg153=; no amino-acid change (arginine 153 retained).
Molecular consequence: synonymous variant.
Genome position (GRCh38, 1-based): chr19:49,047,694, T>A on the plus strand (A>T on the coding strand, the complement: CGB8 is on the minus strand). VCF-style: chr19-49047694-T-A. GRCh37 (hg19) VCF-style: chr19-49550951-T-A.
Identifiers: ClinVar variation 4280919 (VCV004280919.7).
Genomic context (GRCh38, chr19:49,047,694, plus strand): 5'-AGAGTGCGGATTGAGAAGCCTTTATTGTGGGAGGATCGGGGTGTCCGAGGGCCCCGGGAG[T>A]CGGGATGGACTTGGAAGGCTGGGGGGAGGGGCCTTTGAGGAAGAGGAGTCCTGGAAGCGG-3'
Protein context (NP_149439.1, residues 143-163): APPPSLPSPS[Arg153=]LPGPSDTPIL